The following is an entry in ClinVar:

NM_001360016.2(G6PD):c.-49T>G

Genes: G6PD (glucose-6-phosphate dehydrogenase; minus strand), IKBKG (inhibitor of nuclear factor kappa B kinase regulatory subunit gamma; plus strand), LOC107181288 (origin of replication in promoter of G6PD; plus strand), LOC129929052 (ATAC-STARR-seq lymphoblastoid silent region 21114; plus strand). Cytogenetic location: Xq28.
Variant type: single nucleotide variant.
Coding change: c.-49T>G on transcript NM_001360016.2 (MANE Select); 49 bases upstream of the start codon, T replaced by G.
Molecular consequence: 5 prime UTR variant. On other transcripts: synonymous variant (1), intron variant (5).
Genome position (GRCh38, 1-based): chrX:154,546,829, A>C on the plus strand (T>G on the coding strand, the complement: G6PD is on the minus strand). VCF-style: chrX-154546829-A-C. GRCh37 (hg19) VCF-style: chrX-153775044-A-C.
Other names: c.42T>G, p.Leu14= (NM_000402.4); c.-9+639T>G (NM_001042351.3); c.-15-5159A>C (NM_001377312.1, NM_001377313.1); c.189+4377A>C (NM_001099856.6); c.-16+4442A>C (NM_001321396.3).
Identifiers: ClinVar variation 3778024 (VCV003778024.8).
Genomic context (GRCh38, chrX:154,546,829, plus strand): 5'-GCGCCCGCCCGGCCGGTTACCTGCGCTTCGTCGTCGTCGCCCTCCGCGCTCGCAGCCCCG[A>C]AGTGTACGACCGTTTCCGGGGGCTGAGCCCCGCCGGCCCATTTAATCGGCGGGGGCGGGG-3'

ClinVar aggregate classification (germline): Likely benign. Review status: criteria provided, multiple submitters, no conflicts (2 of 4 stars). 2 submissions from 2 submitters: Likely benign (2). Last evaluated 2025-03-01.

gnomAD v4.1: 7 of 1,158,296 alleles (0.0006%); highest among the groups gnomAD compares: Non-Finnish European, 0.0008%; no homozygotes.

Submissions (2):

CeGaT Center for Human Genetics Tuebingen
Classification: Likely benign. Last evaluated: 2025-03-01. Review status: criteria provided, single submitter. Criteria: CeGaT Center For Human Genetics Tuebingen Variant Classification Criteria Version 2. Collection method: clinical testing. Allele origin: germline. Affected: yes. Observed: 1 variant allele.
Comment: G6PD: BP4, BP7

Blueprint Genetics
Classification: Likely benign. Last evaluated: 2024-09-16. Review status: criteria provided, single submitter. Criteria: ACMG Guidelines, 2015. Collection method: clinical testing. Allele origin: germline.